The following is an entry in ClinVar:

NM_004991.4(MECOM):c.1360A>T (p.Thr454Ser)

Gene: MECOM (MDS1 and EVI1 complex locus; minus strand). Cytogenetic location: 3q26.2.
Variant type: single nucleotide variant.
Coding change: c.1360A>T on transcript NM_004991.4 (MANE Select); coding-DNA position 1360, A replaced by T.
Protein change: p.Thr454Ser; replaces threonine 454 with serine.
Molecular consequence: missense variant. On other transcripts: intron variant (2).
Genome position (GRCh38, 1-based): chr3:169,116,512, T>A on the plus strand (A>T on the coding strand, the complement: MECOM is on the minus strand). VCF-style: chr3-169116512-T-A. GRCh37 (hg19) VCF-style: chr3-168834300-T-A.
Other names: c.991A>T, p.Thr331Ser (NM_001105077.4); c.796A>T, p.Thr266Ser (NM_001105078.4, NM_001164000.2, NM_001205194.2 and 4 more transcripts); c.799A>T, p.Thr267Ser (NM_001163999.2, NM_001366467.2, NM_001366468.2 and 1 more transcripts); c.1360A>T, p.Thr454Ser (NM_001366466.2); c.1133-745A>T (NM_001366473.2); c.569-745A>T (NM_001366474.2); c.1360A>T (NM_004991.3); short protein forms T266S, T267S, T331S, T454S.
Identifiers: ClinVar variation 3676401 (VCV003676401.3).

ClinVar aggregate classification (germline): Uncertain significance. Review status: criteria provided, multiple submitters, no conflicts (2 of 4 stars). 2 submissions from 2 submitters: Uncertain significance (2). Last evaluated 2025-03-06.

Conditions:
Inborn genetic diseases. Identifiers: MedGen C0950123, MeSH D030342.

gnomAD v4.1: 2 of 1,613,968 alleles (0.00012%); highest among the groups gnomAD compares: Non-Finnish European, 0.00017%; no homozygotes.

Submissions (2):

Ambry Genetics
Classification: Uncertain significance for Inborn genetic diseases. Last evaluated: 2025-03-06. Review status: criteria provided, single submitter. Criteria: Ambry Variant Classification Scheme 2023. Collection method: clinical testing. Allele origin: germline.

Labcorp Genetics (formerly Invitae), Labcorp
Classification: Uncertain significance. Last evaluated: 2025-01-06. Review status: criteria provided, single submitter. Criteria: Invitae Variant Classification Sherloc (09022015). Collection method: clinical testing. Allele origin: germline.
Comment: This sequence change replaces threonine, which is neutral and polar, with serine, which is neutral and polar, at codon 266 of the MECOM protein (p.Thr266Ser). This variant is not present in population databases (gnomAD no frequency). This variant has not been reported in the literature in individuals affected with MECOM-related conditions. An algorithm developed to predict the effect of missense changes on protein structure and function (PolyPhen-2) suggests that this variant is likely to be tolerated. In summary, the available evidence is currently insufficient to determine the role of this variant in disease. Therefore, it has been classified as a Variant of Uncertain Significance.